The following is an entry in ClinVar:

ClinVar aggregate classification (germline): Benign/Likely benign. Review status: criteria provided, multiple submitters, no conflicts (2 of 4 stars). 3 submissions from 3 submitters: Benign (1); Likely benign (1). 1 of the submissions does not count toward it. Last evaluated 2025-12-15.

Conditions:
KIAA0586-related disorder. Also called: KIAA0586-related condition; KIAA0586- Related disorders.
Short-rib thoracic dysplasia 14 with polydactyly (SRTD14). Identifiers: Orphanet 397715, MedGen C4225286, MONDO:0014688, OMIM 616546.
Joubert syndrome 23 (JBTS23). Identifiers: Orphanet 475, MedGen C4084822, MONDO:0014664, OMIM 616490.

Allele frequency attached by ClinVar (database versions not stated): TOPMed 0.00001; gnomAD 0.00011; gnomAD exomes 0.00020 and 0.00054; 1000 Genomes Project 30x 0.00078; 1000 Genomes Project 0.00080; ExAC 0.00112.
gnomAD v4.1: 268 of 1,418,560 alleles (0.019%); highest among the groups gnomAD compares: South Asian, 0.32%; 6 homozygotes.

Submissions (3):

Labcorp Genetics (formerly Invitae), Labcorp
Classification: Benign for Joubert syndrome 23; Short-rib thoracic dysplasia 14 with polydactyly. Last evaluated: 2025-12-15. Review status: criteria provided, single submitter. Criteria: Invitae Variant Classification Sherloc (09022015). Collection method: clinical testing. Allele origin: germline.

Blueprint Genetics
Classification: Likely benign. Last evaluated: 2024-10-10. Review status: criteria provided, single submitter. Criteria: ACMG Guidelines, 2015. Collection method: clinical testing. Allele origin: germline.

PreventionGenetics, part of Exact Sciences
Classification: Likely benign for KIAA0586-related condition. Last evaluated: 2019-07-03. Review status: no assertion criteria provided. Collection method: clinical testing. Allele origin: germline. Not counted in ClinVar's aggregate classification.
Comment: This variant is classified as likely benign based on ACMG/AMP sequence variant interpretation guidelines (Richards et al. 2015 PMID: 25741868, with internal and published modifications).

NM_001329943.3(KIAA0586):c.2944+8A>C

Gene: KIAA0586 (KIAA0586; plus strand). Cytogenetic location: 14q23.1.
Variant type: single nucleotide variant.
Coding change: c.2944+8A>C on transcript NM_001329943.3 (MANE Select); 8 bases into the intron after coding-DNA position 2944, A replaced by C.
Molecular consequence: intron variant.
Genome position (GRCh38, 1-based): chr14:58,477,249, A>C. VCF-style: chr14-58477249-A-C. GRCh37 (hg19) VCF-style: chr14-58943967-A-C.
Other names: c.3103+8A>C (NM_001244189.2, NM_001244189.1); c.2899+8A>C (NM_001244190.2); c.2812+8A>C (NM_001244192.2); c.2689+8A>C (NM_001244191.2, NM_001364701.2, NM_001329945.2 and 1 more transcripts); c.2944+8A>C (NM_001329944.2, NM_001329946.2, NM_001329947.2); c.2716+8A>C (NM_014749.5); c.2524+8A>C (NM_001244193.2).
Identifiers: ClinVar variation 1601554 (VCV001601554.11), dbSNP rs571616049, ClinGen allele CA7206010.